The following is an entry in ClinVar:

NM_000485.3(APRT):c.81-3C>G

Gene: APRT (adenine phosphoribosyltransferase; minus strand). Cytogenetic location: 16q24.3.
Variant type: single nucleotide variant.
Coding change: c.81-3C>G on transcript NM_000485.3 (MANE Select); 3 bases into the intron before coding-DNA position 81, C replaced by G.
Molecular consequence: intron variant.
Genome position (GRCh38, 1-based): chr16:88,811,659, G>C on the plus strand (C>G on the coding strand, the complement: APRT is on the minus strand). VCF-style: chr16-88811659-G-C. GRCh37 (hg19) VCF-style: chr16-88878067-G-C.
Other names: c.81-3C>G (NM_001030018.2).
Identifiers: ClinVar variation 988033 (VCV000988033.4), dbSNP rs761838152, ClinGen allele CA8234575.

ClinVar aggregate classification (germline): Conflicting classifications of pathogenicity. Review status: criteria provided, conflicting classifications (1 of 4 stars). 4 submissions from 4 submitters: Pathogenic (1); Likely pathogenic (2); Uncertain significance (1). Last evaluated 2025-05-01.

Conditions:
Adenine phosphoribosyltransferase deficiency (APRTD). Also called: APRT DEFICIENCY; NEPHROLITHIASIS, DHA; Urolithiasis, dha; 2,8-dihydroxyadenine urolithiasis. Identifiers: Orphanet 976, MedGen C0268120, MONDO:0013869, OMIM 614723.

Allele frequency attached by ClinVar (database versions not stated): ExAC 0.00002; gnomAD exomes 0.00002.

Submissions (4):

Rare Kidney Stone Consortium and the Mayo Clinic Hyperoxaluria Center, Mayo Clinic
Classification: Likely pathogenic for Adenine phosphoribosyltransferase deficiency. Last evaluated: 2025-05-01. Review status: criteria provided, single submitter. Criteria: ACMG Guidelines, 2015. Collection method: research. Allele origin: germline. Affected: yes.
Comment: ACMG: PM2, PM3, PP1-M, PP3, PP4

homozygote

Fulgent Genetics
Classification: Likely pathogenic for Adenine phosphoribosyltransferase deficiency. Last evaluated: 2024-05-17. Review status: criteria provided, single submitter. Criteria: ACMG Guidelines, 2015. Collection method: clinical testing. Allele origin: germline.

APRT Deficiency Research Program of the Rare Kidney Stone Consortium, Landspitali, National University Hospital of Iceland
Classification: Pathogenic for Adenine phosphoribosyltransferase deficiency. Last evaluated: 2020-09-01. Review status: criteria provided, single submitter. Criteria: ACMG Guidelines, 2015. Collection method: clinical testing. Allele origin: germline. Affected: yes.

Blueprint Genetics
Classification: Uncertain significance. Last evaluated: 2019-03-11. Review status: criteria provided, single submitter. Criteria: ACMG Guidelines, 2015. Collection method: clinical testing. Allele origin: germline.

Literature cited by the submitters: PubMed 33707627 (cited by Rare Kidney Stone Consortium and the Mayo Clinic Hyperoxaluria Center, Mayo Clinic); PubMed 34805638 (cited by Rare Kidney Stone Consortium and the Mayo Clinic Hyperoxaluria Center, Mayo Clinic).